The following is an entry in ClinVar:

NM_000179.3(MSH6):c.[3601C>G;3724C>A]

Variant type: Haplotype.
Identifiers: ClinVar variation 1172512 (VCV001172512.5).

ClinVar aggregate classification (germline): Likely pathogenic. Review status: criteria provided, multiple submitters, no conflicts (2 of 4 stars). 2 submissions from 2 submitters: Likely pathogenic (2). Last evaluated 2023-07-18.

Conditions:
Lynch syndrome. Identifiers: Orphanet 144, MedGen C4552100, MONDO:0005835. Disease mechanism: loss of function.
Hereditary nonpolyposis colon cancer (HNPCC). Also called: Hereditary nonpolyposis colorectal cancer; Familial nonpolyposis colon cancer; Hereditary Nonpolyposis Colorectal Cancer Syndrome. Identifiers: Orphanet 443909, MedGen C1333990, MONDO:0018630. Disease mechanism: loss of function.

Submissions (2):

Women's Health and Genetics/Laboratory Corporation of America, LabCorp
Classification: Likely pathogenic for Hereditary nonpolyposis colon cancer. Last evaluated: 2023-07-18. Review status: criteria provided, single submitter. Criteria: LabCorp Variant Classification Summary - May 2015. Collection method: clinical testing. Allele origin: germline.
Comment: Variant summary: MSH6 c.[3601C>G;3724C>A] (p.[Leu1201Val;Arg1242Ser]) variant is a complex allele that involves the alteration of multiple nucleotides. The component variants of the complex allele were found at a frequency of ~3.2e-05 in 31336 control chromosomes (gnomAD, genomes dataset), i.e. both variants were reported in one heterozygous sample (from the same subpopulation, same gender and age group, therefore, it can be concluded that it likely represented the complex haplotype). The complex variant c.[3601C>G;3724C>A], or the two component variants, have been reported in the literature in multiple heterozygous individuals affected with Lynch Syndrome related tumors (e.g. OLeary_2014 [No PMID], Turner_2019, Gordon_2019, Li_2020). In addition, the complex was also reported in a case with childhood glioma, who carried a second pathogenic MSH6 variant in trans (Crotty_2020). These data indicate that the variant is likely to be associated with disease. To our knowledge, no experimental evidence demonstrating an impact on protein function has been reported. The following publications have been ascertained in the context of this evaluation (PMIDs: 29875428, 31422818, 31391288, 32556862, 34994648). One submitter has cited clinical-significance assessments for the complex variant to ClinVar after 2014 and has classified the variant as likely pathogenic [ClinVar variation ID: 1172512]. In addition, several clinical laboratories reported the component variants as frequently observed in cis in affected individuals, citing internal data [ClinVar variation IDs: 89423, 89449]. Based on the evidence outlined above, the variant was classified as likely pathogenic.

Laboratory for Molecular Medicine, Mass General Brigham Personalized Medicine
Classification: Likely pathogenic for Lynch syndrome. Last evaluated: 2021-06-07. Review status: criteria provided, single submitter. Criteria: LMM Criteria. Collection method: clinical testing. Allele origin: germline. Inheritance: Autosomal dominant inheritance.
Comment: The c.[3601C>G;3724C>A] (p.[Leu1201Val;Arg1242Ser]) haplotype variant in MSH6 has been identified in at least 10 individuals with clinical features of Lynch syndrome, including 2 individuals with constitutional mismatch repair deficiency syndrome who carried another pathogenic MSH6 variant on the other allele (O'Leary 2014, Turner 2018 PMID 29875428; internal data from University of Washington, Invitae and Ambry (SCV000276654.6)). Tumors sampled from affected individuals with this variant lacked MSH6 expression by IHC (Invitae internal data). This haplotype variant has also been identified in 1/15432 European chromosomes by gnomAD. In summary, although additional studies are required to fully establish its clinical significance, this variant meets criteria to be classified as likely pathogenic for autosomal dominant Lynch syndrome. ACMG/AMP Criteria applied: PS4_Moderate, PM3, PM2_Supporting, PP4.

Literature cited by the submitters: PubMed 29875428 (cited by Women's Health and Genetics/Laboratory Corporation of America, LabCorp and Laboratory for Molecular Medicine, Mass General Brigham Personalized Medicine); PubMed 31391288 (cited by Women's Health and Genetics/Laboratory Corporation of America, LabCorp); PubMed 31422818 (cited by Women's Health and Genetics/Laboratory Corporation of America, LabCorp); PubMed 32556862 (cited by Women's Health and Genetics/Laboratory Corporation of America, LabCorp).